The following is an entry in ClinVar:

NM_005228.5(EGFR):c.2556G>A (p.Lys852=)

Gene: EGFR (epidermal growth factor receptor; plus strand). Cytogenetic location: 7p11.2.
Variant type: single nucleotide variant.
Coding change: c.2556G>A on transcript NM_005228.5 (MANE Select); coding-DNA position 2556, G replaced by A.
Protein change: p.Lys852=; no amino-acid change (lysine 852 retained).
Molecular consequence: synonymous variant.
Genome position (GRCh38, 1-based): chr7:55,191,805, G>A. VCF-style: chr7-55191805-G-A. GRCh37 (hg19) VCF-style: chr7-55259498-G-A.
Other names: c.2421G>A, p.Lys807= (NM_001346897.2, NM_001346899.2); c.2556G>A, p.Lys852= (NM_001346898.2); c.2397G>A, p.Lys799= (NM_001346900.2); c.1755G>A, p.Lys585= (NM_001346941.2).
Identifiers: ClinVar variation 3773357 (VCV003773357.2).

ClinVar aggregate classification (germline): Benign/Likely benign. Review status: criteria provided, multiple submitters, no conflicts (2 of 4 stars). 2 submissions from 2 submitters: Benign (1); Likely benign (1). Last evaluated 2025-03-26.

Conditions:
Lung cancer. Also called: Malignant tumor of lung; Lung cancer, somatic. Identifiers: MedGen C0242379, MONDO:0008903, OMIM 211980.
EGFR-related lung cancer (EGFR). Identifiers: MedGen CN130014.

gnomAD v4.1: 2 of 1,614,112 alleles (0.00012%); highest among the groups gnomAD compares: Non-Finnish European, 0.00017%; no homozygotes.

Submissions (2):

Labcorp Genetics (formerly Invitae), Labcorp
Classification: Likely benign for EGFR-related lung cancer. Last evaluated: 2025-03-26. Review status: criteria provided, single submitter. Criteria: Invitae Variant Classification Sherloc (09022015). Collection method: clinical testing. Allele origin: germline.

Myriad Genetics, Inc.
Classification: Benign for Lung cancer. Last evaluated: 2024-10-17. Review status: criteria provided, single submitter. Criteria: Myriad Autosomal Dominant, Autosomal Recessive and X-Linked Classification Criteria (2023). Collection method: clinical testing. Allele origin: unknown.
Comment: This variant is considered benign. This variant is a silent/synonymous amino acid change and it is not expected to impact splicing.